The following is an entry in ClinVar:

NM_001348800.3(ZBTB20):c.1138A>G (p.Ser380Gly)

Gene: ZBTB20 (zinc finger and BTB domain containing 20; minus strand). Cytogenetic location: 3q13.31.
Variant type: single nucleotide variant.
Coding change: c.1138A>G on transcript NM_001348800.3 (MANE Select); coding-DNA position 1138, A replaced by G.
Protein change: p.Ser380Gly; replaces serine 380 with glycine.
Molecular consequence: missense variant.
Genome position (GRCh38, 1-based): chr3:114,350,940, T>C on the plus strand (A>G on the coding strand, the complement: ZBTB20 is on the minus strand). VCF-style: chr3-114350940-T-C. GRCh37 (hg19) VCF-style: chr3-114069787-T-C.
Other names: c.1138A>G, p.Ser380Gly (NM_001164342.2, NM_001348803.3, NM_001393393.1 and 1 more transcripts); c.919A>G, p.Ser307Gly (NM_001164343.2, NM_001164344.4, NM_001164345.4 and 9 more transcripts); short protein forms S307G, S380G.
Identifiers: ClinVar variation 3061044 (VCV003061044.2), dbSNP rs2550502613, ClinGen allele CA354011472.

ClinVar aggregate classification (germline): Uncertain significance (0 of 4 stars; one submission).

Conditions:
ZBTB20-related disorder. Also called: ZBTB20-related condition.

Submission:

PreventionGenetics, part of Exact Sciences
Classification: Uncertain significance for ZBTB20-related condition. Last evaluated: 2024-01-29. Review status: no assertion criteria provided. Collection method: clinical testing. Allele origin: germline.
Comment: The ZBTB20 c.1138A>G variant is predicted to result in the amino acid substitution p.Ser380Gly. To our knowledge, this variant has not been reported in the literature or in a large population database, indicating this variant is rare. At this time, the clinical significance of this variant is uncertain due to the absence of conclusive functional and genetic evidence.